The following is an entry in ClinVar:

NM_005559.4(LAMA1):c.7725G>A (p.Thr2575=)

Genes: LAMA1 (laminin subunit alpha 1; minus strand), LOC126862685 (BRD4-independent group 4 enhancer GRCh37_chr18:6958646-6959845; plus strand). Cytogenetic location: 18p11.31.
Variant type: single nucleotide variant.
Coding change: c.7725G>A on transcript NM_005559.4 (MANE Select); coding-DNA position 7725, G replaced by A.
Protein change: p.Thr2575=; no amino-acid change (threonine 2575 retained).
Molecular consequence: synonymous variant.
Genome position (GRCh38, 1-based): chr18:6,959,394, C>T on the plus strand (G>A on the coding strand, the complement: LAMA1 is on the minus strand). VCF-style: chr18-6959394-C-T. GRCh37 (hg19) VCF-style: chr18-6959393-C-T.
Other names: c.7725G>A (NM_005559.3).
Identifiers: ClinVar variation 1916055 (VCV001916055.7), dbSNP rs138095695, ClinGen allele CA8880806.
Genomic context (GRCh38, chr18:6,959,394, plus strand): 5'-CAAGTACCTCCGATTCCTGACCAAGGAGATGGAATGCGCTTGTCCATCACTGCAGGTACC[C>T]GTGGGAGCGTGCAGGAGAGCTTTTCTCAGGCCTGTCCCATCCCCAGGATTGACATGTACC-3'
Protein context (NP_005550.2, residues 2565-2585): GLRKALLHAP[Thr2575=]GTCSDGQAHS

ClinVar aggregate classification (germline): Uncertain significance. Review status: criteria provided, multiple submitters, no conflicts (2 of 4 stars). 3 submissions from 3 submitters: Uncertain significance (3). Last evaluated 2025-11-18.

Conditions:
LAMA1-related disorder. Also called: LAMA1-related condition; LAMA1-related disorders.

Allele frequency attached by ClinVar (database versions not stated): ExAC 0.00003; gnomAD exomes 0.00003; TOPMed 0.00003; ESP Exome Variant Server 0.00008; 1000 Genomes Project 30x 0.00016; 1000 Genomes Project 0.00020.
gnomAD v4.1: 48 of 1,614,144 alleles (0.003%); highest among the groups gnomAD compares: Non-Finnish European, 0.0036%; no homozygotes.

Submissions (3):

PreventionGenetics, part of Exact Sciences
Classification: Uncertain significance for LAMA1-related condition. Last evaluated: 2025-11-18. Review status: criteria provided, single submitter. Criteria: ACMG Guidelines, 2015. Collection method: clinical testing. Allele origin: germline.
Comment: The LAMA1 c.7725G>A variant is not predicted to result in an amino acid change (p.=). To our knowledge, this variant has not been reported in the literature. This variant is present in 0.0080% of alleles in individuals of African descent in gnomAD. At this time, the clinical significance of this variant is uncertain due to the absence of conclusive functional and genetic evidence.

Labcorp Genetics (formerly Invitae), Labcorp
Classification: Uncertain significance. Last evaluated: 2025-05-05. Review status: criteria provided, single submitter. Criteria: Invitae Variant Classification Sherloc (09022015). Collection method: clinical testing. Allele origin: germline.
Comment: This sequence change affects codon 2575 of the LAMA1 mRNA. It is a 'silent' change, meaning that it does not change the encoded amino acid sequence of the LAMA1 protein. This variant is present in population databases (rs138095695, gnomAD 0.004%). This variant has not been reported in the literature in individuals affected with LAMA1-related conditions. ClinVar contains an entry for this variant (Variation ID: 1916055). Algorithms developed to predict the effect of sequence changes on RNA splicing suggest that this variant may disrupt the consensus splice site. In summary, the available evidence is currently insufficient to determine the role of this variant in disease. Therefore, it has been classified as a Variant of Uncertain Significance.

Blueprint Genetics
Classification: Uncertain significance. Last evaluated: 2021-08-26. Review status: criteria provided, single submitter. Criteria: ACMG Guidelines, 2015. Collection method: clinical testing. Allele origin: germline.